The following is an entry in ClinVar:

NM_018406.7(MUC4):c.11019A>T (p.Ala3673=)

Gene: MUC4 (mucin 4, cell surface associated). Cytogenetic location: 3q29.
Variant type: single nucleotide variant.
Coding change: c.11019A>T on transcript NM_018406.7 (MANE Select); coding-DNA position 11019, A replaced by T.
Protein change: p.Ala3673=; no amino-acid change (alanine 3673 retained).
Molecular consequence: synonymous variant. On other transcripts: genic upstream transcript variant (2).
Genome position (GRCh38, 1-based): chr3:195,780,561, T>A on the plus strand (A>T on the coding strand, the complement: MUC4 is on the minus strand). VCF-style: chr3-195780561-T-A. GRCh37 (hg19) VCF-style: chr3-195507432-T-A.
Other names: c.15837A>T, p.Ala5279= (NM_001322468.1); c.83-6256A>T (NM_138297.5); c.83-2106A>T (NM_004532.6).
Identifiers: ClinVar variation 2654411 (VCV002654411.24), dbSNP rs1263082185, ClinGen allele CA438036052.

ClinVar aggregate classification (germline): Likely benign (1 of 4 stars; one submission).

Submission:

CeGaT Center for Human Genetics Tuebingen
Classification: Likely benign. Last evaluated: 2023-08-01. Review status: criteria provided, single submitter. Criteria: CeGaT Center For Human Genetics Tuebingen Variant Classification Criteria Version 2. Collection method: clinical testing. Allele origin: germline. Affected: yes. Observed: 2 variant alleles.
Comment: MUC4: BP4, BP7